The following is an entry in ClinVar:

ClinVar aggregate classification (germline): Likely benign. Review status: criteria provided, multiple submitters, no conflicts (2 of 4 stars). 3 submissions from 3 submitters: Likely benign (2). 1 of the submissions does not count toward it. Last evaluated 2026-08-01.

Conditions:
NIPBL-related disorder. Also called: NIPBL-related condition.
Inborn genetic diseases. Identifiers: MedGen C0950123, MeSH D030342.

Submissions (3):

CeGaT Center for Human Genetics Tuebingen
Classification: Likely benign. Last evaluated: 2026-08-01. Review status: criteria provided, single submitter. Criteria: CeGaT Center For Human Genetics Tuebingen Variant Classification Criteria Version 2. Collection method: clinical testing. Allele origin: germline. Affected: yes. Observed: 1 variant allele.
Comment: NIPBL: BS2

Ambry Genetics
Classification: Likely benign for Inborn genetic diseases. Last evaluated: 2025-10-28. Review status: criteria provided, single submitter. Criteria: Ambry Variant Classification Scheme 2023. Collection method: clinical testing. Allele origin: germline.

PreventionGenetics, part of Exact Sciences
Classification: Likely benign for NIPBL-related condition. Last evaluated: 2020-02-06. Review status: no assertion criteria provided. Collection method: clinical testing. Allele origin: germline. Not counted in ClinVar's aggregate classification.
Comment: This variant is classified as likely benign based on ACMG/AMP sequence variant interpretation guidelines (Richards et al. 2015 PMID: 25741868, with internal and published modifications).

NM_133433.4(NIPBL):c.5863-23_5863-2del

Gene: NIPBL (NIPBL cohesin loading factor; plus strand). Cytogenetic location: 5p13.2.
Variant type: Deletion.
Coding change: c.5863-23_5863-2del on transcript NM_133433.4 (MANE Select); 23 bases into the intron before coding-DNA position 5863 through the canonical splice acceptor site of the intron before coding-DNA position 5863, 22 bases deleted (TATATATATATATGTATATATA).
Molecular consequence: splice acceptor variant.
Genome position (GRCh38, 1-based): chr5:37,036,356-37,036,377, TATATATATATATGTATATATA deleted; deleting any 22 consecutive bases within chr5:37,036,336-37,036,377 gives the same sequence; the c. name uses the placement nearest the transcript's 3' end. VCF-style (leftmost placement, unchanged base first): chr5-37036335-GTATATATATATGTATATATATA-G. GRCh37 (hg19) VCF-style: chr5-37036437-GTATATATATATGTATATATATA-G.
Other names: c.5863-23_5863-2del (NM_015384.5).
Identifiers: ClinVar variation 3051758 (VCV003051758.4), dbSNP rs770311585, ClinGen allele CA3236882.
Genomic context (GRCh38, chr5:37,036,335, plus strand): 5'-AATGTGTTTATATTATTATTGCCTAATGAATAATTATACCGGGATTTTTTTTTCTTTTTT[GTATATATATATGTATATATATA>G]TATATATATATGTATATATAGTTGTTGAAGTCCGAAGAGGATTCCTCATATAAACCTGTG-3'